The following is an entry in ClinVar:

NM_018026.4(PACS1):c.721G>A (p.Val241Ile)

Gene: PACS1 (phosphofurin acidic cluster sorting protein 1; plus strand). Cytogenetic location: 11q13.2.
Variant type: single nucleotide variant.
Coding change: c.721G>A on transcript NM_018026.4 (MANE Select); coding-DNA position 721, G replaced by A.
Protein change: p.Val241Ile; replaces valine 241 with isoleucine.
Molecular consequence: missense variant.
Genome position (GRCh38, 1-based): chr11:66,216,179, G>A. VCF-style: chr11-66216179-G-A. GRCh37 (hg19) VCF-style: chr11-65983650-G-A.
Other names: short protein forms V241I.
Identifiers: ClinVar variation 2501424 (VCV002501424.1), dbSNP rs745636991, ClinGen allele CA6116326.
Genomic context (GRCh38, chr11:66,216,179, plus strand): 5'-GTGATGCAGCATCCTAATGAAGGCGCACTGGTGCTTGGCCTACACAGCAACGTGAAGGAT[G>A]TCTCTGTGCCTGTGGCAGAAATAAAGATCTACTCCCTGTCCAGCCAACCCATTGACCATG-3'
Protein context (NP_060496.2, residues 231-251): VLGLHSNVKD[Val241Ile]SVPVAEIKIY

ClinVar aggregate classification (germline): Uncertain significance (1 of 4 stars; one submission).

Allele frequency attached by ClinVar (database versions not stated): gnomAD exomes 0.00001; ExAC 0.00002.

Submission:

GeneDx
Classification: Uncertain significance. Last evaluated: 2022-11-07. Review status: criteria provided, single submitter. Criteria: GeneDx Variant Classification Process June 2021. Collection method: clinical testing. Allele origin: germline. Affected: yes.
Comment: In silico analysis supports that this missense variant does not alter protein structure/function; Has not been previously published as pathogenic or benign to our knowledge